The following is an entry in ClinVar:

NM_004472.3(FOXD1):c.324C>G (p.Gly108=)

Gene: FOXD1 (forkhead box D1; minus strand). Cytogenetic location: 5q13.2.
Variant type: single nucleotide variant.
Coding change: c.324C>G on transcript NM_004472.3 (MANE Select); coding-DNA position 324, C replaced by G.
Protein change: p.Gly108=; no amino-acid change (glycine 108 retained).
Molecular consequence: synonymous variant.
Genome position (GRCh38, 1-based): chr5:73,448,039, G>C on the plus strand (C>G on the coding strand, the complement: FOXD1 is on the minus strand). VCF-style: chr5-73448039-G-C. GRCh37 (hg19) VCF-style: chr5-72743864-G-C.
Identifiers: ClinVar variation 3051510 (VCV003051510.2), dbSNP rs1488515402, ClinGen allele CA445096717.

ClinVar aggregate classification (germline): Likely benign (0 of 4 stars; one submission).

Conditions:
FOXD1-related disorder. Also called: FOXD1-related condition.

Submission:

PreventionGenetics, part of Exact Sciences
Classification: Likely benign for FOXD1-related condition. Last evaluated: 2020-09-23. Review status: no assertion criteria provided. Collection method: clinical testing. Allele origin: germline.
Comment: This variant is classified as likely benign based on ACMG/AMP sequence variant interpretation guidelines (Richards et al. 2015 PMID: 25741868, with internal and published modifications).